The following is an entry in ClinVar:

NM_017777.4(MKS1):c.1193A>T (p.Tyr398Phe)

Gene: MKS1 (MKS transition zone complex subunit 1; minus strand). Cytogenetic location: 17q22.
Variant type: single nucleotide variant.
Coding change: c.1193A>T on transcript NM_017777.4 (MANE Select); coding-DNA position 1193, A replaced by T.
Protein change: p.Tyr398Phe; replaces tyrosine 398 with phenylalanine.
Molecular consequence: missense variant.
Genome position (GRCh38, 1-based): chr17:58,207,974, T>A on the plus strand (A>T on the coding strand, the complement: MKS1 is on the minus strand). VCF-style: chr17-58207974-T-A. GRCh37 (hg19) VCF-style: chr17-56285335-T-A.
Other names: c.584A>T, p.Tyr195Phe (NM_001321268.2); c.1193A>T, p.Tyr398Phe (NM_001321269.2, NM_001330397.2, NM_001411113.1); short protein forms Y398F, Y195F.
Identifiers: ClinVar variation 4996242 (VCV004996242.1).

ClinVar aggregate classification (germline): Uncertain significance (1 of 4 stars; one submission).

Conditions:
MKS1-related disorder. Also called: MKS1-related disorders; MKS1-related condition. Identifiers: MedGen CN239382.

Submission:

PreventionGenetics, part of Exact Sciences
Classification: Uncertain significance for MKS1-related condition. Last evaluated: 2026-07-21. Review status: criteria provided, single submitter. Criteria: ACMG Guidelines, 2015. Collection method: clinical testing. Allele origin: germline.
Comment: The MKS1 c.1193A>T variant is predicted to result in the amino acid substitution p.Tyr398Phe. To our knowledge, this variant has not been reported in the literature or in a large population database (gnomAD), indicating this variant is rare. At this time, the clinical significance of this variant is uncertain due to the absence of conclusive functional and genetic evidence.